The following is an entry in ClinVar:

ClinVar aggregate classification (germline): Uncertain significance (1 of 4 stars; one submission).

Conditions:
GIGYF1-related disorder. Also called: GIGYF1-related condition.

Submission:

PreventionGenetics, part of Exact Sciences
Classification: Uncertain significance for GIGYF1-related condition. Last evaluated: 2025-07-30. Review status: criteria provided, single submitter. Criteria: ACMG Guidelines, 2015. Collection method: clinical testing. Allele origin: germline.
Comment: The GIGYF1 c.1448A>G variant is predicted to result in the amino acid substitution p.Gln483Arg. To our knowledge, this variant has not been reported in the literature. This variant is reported in 0.0058% of alleles in individuals of Latino descent in gnomAD. At this time, the clinical significance of this variant is uncertain due to the absence of conclusive functional and genetic evidence.

NM_001375765.1(GIGYF1):c.1448A>G (p.Gln483Arg)

Gene: GIGYF1 (GRB10 interacting GYF protein 1; minus strand). Cytogenetic location: 7q22.1.
Variant type: single nucleotide variant.
Coding change: c.1448A>G on transcript NM_001375765.1 (MANE Select); coding-DNA position 1448, A replaced by G.
Protein change: p.Gln483Arg; replaces glutamine 483 with arginine.
Molecular consequence: missense variant. On other transcripts: non-coding transcript variant (1).
Genome position (GRCh38, 1-based): chr7:100,684,737, T>C on the plus strand (A>G on the coding strand, the complement: GIGYF1 is on the minus strand). VCF-style: chr7-100684737-T-C. GRCh37 (hg19) VCF-style: chr7-100282360-T-C.
Other names: NM_022574.4:c.1448A>G; c.1448A>G, p.Gln483Arg (NM_001375759.1, NM_001375760.1, NM_001375761.1 and 6 more transcripts); short protein forms Q483R.
Identifiers: ClinVar variation 5002040 (VCV005002040.1).
Genomic context (GRCh38, chr7:100,684,737, plus strand): 5'-CTGAACCAGAACGGCCTTGAGCAGCCCTCCCATCCCACACAGGTACCTTGGATCTCGCCC[T>C]GTGGGTCCTTGTAGAACCACTTCCGGGCAGCCCCATGGCTGAGCGGGAGGGCAGTGGCGG-3'
Protein context (NP_001362694.1, residues 473-493): AARKWFYKDP[Gln483Arg]GEIQGPFTTQ